The following is an entry in ClinVar:

NM_001042492.3(NF1):c.4208G>A (p.Gly1403Asp)

Gene: NF1 (neurofibromin 1; plus strand). Cytogenetic location: 17q11.2.
Variant type: single nucleotide variant.
Coding change: c.4208G>A on transcript NM_001042492.3 (MANE Select); coding-DNA position 4208, G replaced by A.
Protein change: p.Gly1403Asp; replaces glycine 1403 with aspartic acid.
Molecular consequence: missense variant.
Genome position (GRCh38, 1-based): chr17:31,258,378, G>A. VCF-style: chr17-31258378-G-A. GRCh37 (hg19) VCF-style: chr17-29585396-G-A.
Other names: c.4145G>A, p.Gly1382Asp (NM_000267.4); short protein forms G1382D, G1403D.
Identifiers: ClinVar variation 2121233 (VCV002121233.4), dbSNP rs2151461873, ClinGen allele CA398997674.
Genomic context (GRCh38, chr17:31,258,378, plus strand): 5'-CTCAATTCTCAACTCCTTGTTTTTAGGTGGTTAGCCAGCGTTTCCCTCAGAACAGCATCG[G>A]TGCAGTAGGAAGTGCCATGTTCCTCAGATTTATCAATCCTGCCATTGTCTCACCGTATGA-3'
Protein context (NP_001035957.1, residues 1393-1413): VSQRFPQNSI[Gly1403Asp]AVGSAMFLRF

ClinVar aggregate classification (germline): Uncertain significance (1 of 4 stars; one submission).

Conditions:
Neurofibromatosis, type 1 (NF1). Also called: NEUROFIBROMATOSIS, TYPE I, SOMATIC; Neurofibromatosis, type I; Peripheral type neurofibromatosis; VON RECKLINGHAUSEN DISEASE. Identifiers: Orphanet 636, MedGen C0027831, MONDO:0018975, OMIM 162200. Disease mechanism: loss of function.

Submission:

Labcorp Genetics (formerly Invitae), Labcorp
Classification: Uncertain significance for Neurofibromatosis, type 1. Last evaluated: 2024-02-23. Review status: criteria provided, single submitter. Criteria: Invitae Variant Classification Sherloc (09022015). Collection method: clinical testing. Allele origin: germline.
Comment: This sequence change replaces glycine, which is neutral and non-polar, with aspartic acid, which is acidic and polar, at codon 1382 of the NF1 protein (p.Gly1382Asp). This variant is not present in population databases (gnomAD no frequency). This variant has not been reported in the literature in individuals affected with NF1-related conditions. ClinVar contains an entry for this variant (Variation ID: 2121233). Advanced modeling of protein sequence and biophysical properties (such as structural, functional, and spatial information, amino acid conservation, physicochemical variation, residue mobility, and thermodynamic stability) has been performed at Invitae for this missense variant, however the output from this modeling did not meet the statistical confidence thresholds required to predict the impact of this variant on NF1 protein function. In summary, the available evidence is currently insufficient to determine the role of this variant in disease. Therefore, it has been classified as a Variant of Uncertain Significance.